The following is an entry in ClinVar:

ClinVar aggregate classification (germline): Pathogenic. Review status: reviewed by expert panel (3 of 4 stars). 4 submissions from 4 submitters: Pathogenic (1). 3 of the submissions do not count toward it. Last evaluated 2016-10-18.

Conditions:
Hereditary cancer-predisposing syndrome. Also called: Tumor predisposition; Neoplastic Syndromes, Hereditary; Hereditary neoplastic syndrome; Hereditary Cancer Syndrome. Identifiers: Orphanet 140162, MedGen C0027672, MeSH D009386, MONDO:0015356.
Breast-ovarian cancer, familial, susceptibility to, 2 (BROVCA2). Also called: BRCA2 Hereditary Breast and Ovarian Cancer. Identifiers: Orphanet 145, MedGen C2675520, MONDO:0012933, OMIM 612555. Disease mechanism: loss of function.

Submissions (4):

Evidence-based Network for the Interpretation of Germline Mutant Alleles (ENIGMA)
Classification: Pathogenic for Breast-ovarian cancer, familial, susceptibility to, 2. Last evaluated: 2016-10-18. Review status: reviewed by expert panel. Criteria: ENIGMA BRCA1/2 Classification Criteria (2015). Collection method: curation. Allele origin: germline.
Comment: Variant allele predicted to encode a truncated non-functional protein.

Color Diagnostics, LLC DBA Color Health
Classification: Pathogenic for Hereditary cancer-predisposing syndrome. Last evaluated: 2020-06-02. Review status: criteria provided, single submitter. Criteria: ACMG Guidelines, 2015. Collection method: clinical testing. Allele origin: germline. Not counted in ClinVar's aggregate classification.
Comment: This variant deletes 2 nucleotides in exon 3 of the BRCA2 gene, creating a frameshift and premature translation stop signal. This variant is expected to result in an absent or non-functional protein product. To our knowledge, this variant has not been reported in individuals affected with hereditary cancer in the literature. This variant has not been identified in the general population by the Genome Aggregation Database (gnomAD). Loss of BRCA2 function is a known mechanism of disease. Based on the available evidence, this variant is classified as Pathogenic.

Ambry Genetics
Classification: Pathogenic for Hereditary cancer-predisposing syndrome. Last evaluated: 2017-01-31. Review status: criteria provided, single submitter. Criteria: Ambry Variant Classification Scheme 2023. Collection method: clinical testing. Allele origin: germline. Not counted in ClinVar's aggregate classification.
Comment: The c.271_272delTA pathogenic mutation, located in coding exon 2 of the BRCA2 gene, results from a deletion of two nucleotides at nucleotide positions 271 to 272, causing a translational frameshift with a predicted alternate stop codon (p.Y91Pfs*9). This alteration is expected to result in loss of function by premature protein truncation or nonsense-mediated mRNA decay. As such, this alteration is interpreted as a disease-causing mutation.

Consortium of Investigators of Modifiers of BRCA1/2 (CIMBA), c/o University of Cambridge
Classification: Pathogenic for Breast-ovarian cancer, familial, susceptibility to, 2. Last evaluated: 2015-10-02. Review status: criteria provided, single submitter. Criteria: CIMBA Mutation Classification guidelines May 2016. Collection method: clinical testing. Allele origin: germline. Not counted in ClinVar's aggregate classification.

NM_000059.4(BRCA2):c.271_272del (p.Tyr91fs)

Gene: BRCA2 (BRCA2 DNA repair associated; plus strand). Cytogenetic location: 13q13.1.
Variant type: Deletion.
Coding change: c.271_272del on transcript NM_000059.4 (MANE Select); coding-DNA positions 271 to 272, 2 bases deleted (TA; older notation c.271_272delTA).
Protein change: p.Tyr91fs; shifts the reading frame from tyrosine 91.
Molecular consequence: frameshift variant.
Genome position (GRCh38, 1-based): chr13:32,319,280-32,319,281, TA deleted. VCF-style (leftmost placement, unchanged base first): chr13-32319279-GTA-G. GRCh37 (hg19) VCF-style: chr13-32893416-GTA-G.
Other names: 499delTA; c.271_272delTA (NM_000059.3).
Identifiers: ClinVar variation 266715 (VCV000266715.14), dbSNP rs886040441, ClinGen allele CA10589019.